The following is an entry in ClinVar:

NM_006514.4(SCN10A):c.1667A>T (p.Gln556Leu)

Gene: SCN10A (sodium voltage-gated channel alpha subunit 10; minus strand). Cytogenetic location: 3p22.2.
Variant type: single nucleotide variant.
Coding change: c.1667A>T on transcript NM_006514.4 (MANE Select); coding-DNA position 1667, A replaced by T.
Protein change: p.Gln556Leu; replaces glutamine 556 with leucine.
Molecular consequence: missense variant. On other transcripts: intron variant (1).
Genome position (GRCh38, 1-based): chr3:38,752,307, T>A on the plus strand (A>T on the coding strand, the complement: SCN10A is on the minus strand). VCF-style: chr3-38752307-T-A. GRCh37 (hg19) VCF-style: chr3-38793798-T-A.
Other names: c.1667A>T, p.Gln556Leu (NM_001293306.2); c.1462-2123A>T (NM_001293307.2); short protein forms Q556L.
Identifiers: ClinVar variation 1299924 (VCV001299924.41), dbSNP rs1423285355, ClinGen allele CA352167255.

ClinVar aggregate classification (germline): Uncertain significance. Review status: criteria provided, multiple submitters, no conflicts (2 of 4 stars). 5 submissions from 5 submitters: Uncertain significance (3). 2 of the submissions do not count toward it. Last evaluated 2025-12-17.

Conditions:
Brugada syndrome. Also called: Sudden Unexplained Death Syndrome; Sudden Unexplained Nocturnal Death Syndrome (SUNDS); Sudden unexpected nocturnal death syndrome; Sudden unexplained nocturnal death syndrome. Identifiers: Orphanet 130, MedGen C1142166, MONDO:0015263.
Cardiovascular phenotype. Identifiers: MedGen CN230736.

Allele frequency attached by ClinVar (database versions not stated): gnomAD exomes below 0.00001 and 0.00001.
gnomAD v4.1: 19 of 1,609,762 alleles (0.0012%); highest among the groups gnomAD compares: Non-Finnish European, 0.0015%; no homozygotes.

Submissions (5):

Labcorp Genetics (formerly Invitae), Labcorp
Classification: Uncertain significance for Brugada syndrome. Last evaluated: 2025-12-17. Review status: criteria provided, single submitter. Criteria: Invitae Variant Classification Sherloc (09022015). Collection method: clinical testing. Allele origin: germline.
Comment: This sequence change replaces glutamine, which is neutral and polar, with leucine, which is neutral and non-polar, at codon 556 of the SCN10A protein (p.Gln556Leu). This variant is present in population databases (no rsID available, gnomAD 0.0009%). This missense change has been observed in individual(s) with pure small fiber neuropathy (PMID: 30554136). ClinVar contains an entry for this variant (Variation ID: 1299924). Invitae Evidence Modeling of protein sequence and biophysical properties (such as structural, functional, and spatial information, amino acid conservation, physicochemical variation, residue mobility, and thermodynamic stability) indicates that this missense variant is not expected to disrupt SCN10A protein function with a negative predictive value of 95%. Algorithms developed to predict the effect of sequence changes on RNA splicing suggest that this variant may create or strengthen a splice site. In summary, the available evidence is currently insufficient to determine the role of this variant in disease. Therefore, it has been classified as a Variant of Uncertain Significance.

Ambry Genetics
Classification: Uncertain significance for Cardiovascular phenotype. Last evaluated: 2025-06-20. Review status: criteria provided, single submitter. Criteria: Ambry Variant Classification Scheme 2023. Collection method: clinical testing. Allele origin: germline.
Comment: The p.Q556L variant (also known as c.1667A>T), located in coding exon 11 of the SCN10A gene, results from an A to T substitution at nucleotide position 1667. The glutamine at codon 556 is replaced by leucine, an amino acid with dissimilar properties. This alteration has been previously reported in one individual in a cohort of 1,139 patients with pure small fiber neuropathy (Eijkenboom I et al. J. Neurol. Neurosurg. Psychiatry, 2019 03;90:342-352). This amino acid position is well conserved in available vertebrate species. In addition, the in silico prediction for this alteration is inconclusive. Since supporting evidence is limited at this time, the clinical significance of this alteration remains unclear.

CeGaT Center for Human Genetics Tuebingen
Classification: Uncertain significance. Last evaluated: 2022-01-01. Review status: criteria provided, single submitter. Criteria: CeGaT Center For Human Genetics Tuebingen Variant Classification Criteria Version 2. Collection method: clinical testing. Allele origin: germline. Affected: yes. Observed: 1 variant allele.

Clinical Genetics, Academic Medical Center
Classification: Likely benign. Review status: no assertion criteria provided. Collection method: clinical testing. Allele origin: germline. Affected: yes. Study: VKGL Data-share Consensus. Not counted in ClinVar's aggregate classification.

Joint Genome Diagnostic Labs from Nijmegen and Maastricht, Radboudumc and MUMC+
Classification: Likely benign. Review status: no assertion criteria provided. Collection method: clinical testing. Allele origin: germline. Affected: yes. Study: VKGL Data-share Consensus. Not counted in ClinVar's aggregate classification.

Literature cited by the submitters: PubMed 30554136 (cited by Labcorp Genetics (formerly Invitae), Labcorp and Ambry Genetics).